The following is an entry in ClinVar:

NM_000397.4(CYBB):c.1223G>C (p.Gly408Ala)

Gene: CYBB (cytochrome b-245 beta chain; plus strand). Cytogenetic location: Xp11.4.
Variant type: single nucleotide variant.
Coding change: c.1223G>C on transcript NM_000397.4 (MANE Select); coding-DNA position 1223, G replaced by C.
Protein change: p.Gly408Ala; replaces glycine 408 with alanine.
Molecular consequence: missense variant.
Genome position (GRCh38, 1-based): chrX:37,805,077, G>C. VCF-style: chrX-37805077-G-C. GRCh37 (hg19) VCF-style: chrX-37664330-G-C.
Other names: short protein forms G408A.
Identifiers: ClinVar variation 1485565 (VCV001485565.8), dbSNP rs151344474, ClinGen allele CA10383852.

ClinVar aggregate classification (germline): Likely pathogenic (1 of 4 stars; one submission).

Conditions:
Granulomatous disease, chronic, X-linked. Also called: CYTOCHROME b-NEGATIVE GRANULOMATOUS DISEASE, CHRONIC, X-LINKED; GRANULOMATOUS DISEASE, CHRONIC, X-LINKED, SOMATIC MOSAIC. Identifiers: Orphanet 379, MedGen C1844376, MONDO:0010600, OMIM 306400.

Allele frequency attached by ClinVar (database versions not stated): ExAC 0.00001; gnomAD exomes 0.00001.

Submission:

Labcorp Genetics (formerly Invitae), Labcorp
Classification: Likely pathogenic for Granulomatous disease, chronic, X-linked. Last evaluated: 2021-02-01. Review status: criteria provided, single submitter. Criteria: Invitae Variant Classification Sherloc (09022015). Collection method: clinical testing. Allele origin: germline.
Comment: This variant is present in population databases (rs151344474, ExAC 0.01%). This variant has not been reported in the literature in individuals with CYBB-related conditions. Advanced modeling of protein sequence and biophysical properties (such as structural, functional, and spatial information, amino acid conservation, physicochemical variation, residue mobility, and thermodynamic stability) performed at Invitae indicates that this missense variant is expected to disrupt CYBB protein function. This variant disrupts the p.Gly408 amino acid residue in CYBB. Other variant(s) that disrupt this residue have been determined to be pathogenic (PMID: 29560547, 9585602, 10627478, 8634410). This suggests that this residue is clinically significant, and that variants that disrupt this residue are likely to be disease-causing. In summary, the currently available evidence indicates that the variant is pathogenic, but additional data are needed to prove that conclusively. Therefore, this variant has been classified as Likely Pathogenic. This sequence change replaces glycine with alanine at codon 408 of the CYBB protein (p.Gly408Ala). The glycine residue is highly conserved and there is a small physicochemical difference between glycine and alanine.

Literature cited by the submitters: PubMed 29560547; PubMed 9585602; PubMed 10627478; PubMed 8634410.